The following is an entry in ClinVar:

NM_139058.3(ARX):c.229G>T (p.Ala77Ser)

Gene: ARX (aristaless related homeobox; minus strand). Cytogenetic location: Xp21.3.
Variant type: single nucleotide variant.
Coding change: c.229G>T on transcript NM_139058.3 (MANE Select); coding-DNA position 229, G replaced by T.
Protein change: p.Ala77Ser; replaces alanine 77 with serine.
Molecular consequence: missense variant.
Genome position (GRCh38, 1-based): chrX:25,013,766, C>A on the plus strand (G>T on the coding strand, the complement: ARX is on the minus strand). VCF-style: chrX-25013766-C-A. GRCh37 (hg19) VCF-style: chrX-25031883-C-A.
Other names: short protein forms A77S.
Identifiers: ClinVar variation 3753786 (VCV003753786.2).

ClinVar aggregate classification (germline): Uncertain significance (1 of 4 stars; one submission).

Conditions:
Developmental and epileptic encephalopathy, 1 (DEE1). Also called: INFANTILE SPASM SYNDROME, X-LINKED 1; X-linked infantile spasms; West's syndrome; Tonic spasms with clustering, arrest of psychomotor development and hypsarrhythmia on EEG; X-Linked Infantile Spasm Syndrome; OHTAHARA SYNDROME, X-LINKED. Identifiers: MedGen C3463992, MONDO:0010632, OMIM 308350. Disease mechanism: loss of function.
Intellectual disability, X-linked, with or without seizures, ARX-related. Also called: MENTAL RETARDATION, X-LINKED 29; MENTAL RETARDATION, X-LINKED 32; MENTAL RETARDATION, X-LINKED 33; MENTAL RETARDATION, X-LINKED 38; MENTAL RETARDATION, X-LINKED 43; MENTAL RETARDATION, X-LINKED 76. Identifiers: Orphanet 777, MedGen C0796244, MONDO:0010317, OMIM 300419.

Submission:

Labcorp Genetics (formerly Invitae), Labcorp
Classification: Uncertain significance for Developmental and epileptic encephalopathy, 1; Intellectual disability, X-linked, with or without seizures, ARX-related. Last evaluated: 2024-11-18. Review status: criteria provided, single submitter. Criteria: Invitae Variant Classification Sherloc (09022015). Collection method: clinical testing. Allele origin: germline.
Comment: This sequence change replaces alanine, which is neutral and non-polar, with serine, which is neutral and polar, at codon 77 of the ARX protein (p.Ala77Ser). The frequency data for this variant in the population databases is considered unreliable, as metrics indicate insufficient coverage at this position in the gnomAD database. This variant has not been reported in the literature in individuals affected with ARX-related conditions. Invitae Evidence Modeling of protein sequence and biophysical properties (such as structural, functional, and spatial information, amino acid conservation, physicochemical variation, residue mobility, and thermodynamic stability) indicates that this missense variant is expected to disrupt ARX protein function with a positive predictive value of 95%. In summary, the available evidence is currently insufficient to determine the role of this variant in disease. Therefore, it has been classified as a Variant of Uncertain Significance.